The following is an entry in ClinVar:

NM_002890.3(RASA1):c.296C>T (p.Ala99Val)

Gene: RASA1 (RAS p21 protein activator 1; plus strand). Cytogenetic location: 5q14.3.
Variant type: single nucleotide variant.
Coding change: c.296C>T on transcript NM_002890.3 (MANE Select); coding-DNA position 296, C replaced by T.
Protein change: p.Ala99Val; replaces alanine 99 with valine.
Molecular consequence: missense variant.
Genome position (GRCh38, 1-based): chr5:87,268,747, C>T. VCF-style: chr5-87268747-C-T. GRCh37 (hg19) VCF-style: chr5-86564564-C-T.
Other names: p.A99V:GCT>GTT; short protein forms A99V.
Identifiers: ClinVar variation 213659 (VCV000213659.60), dbSNP rs111840875, ClinGen allele CA324133.

ClinVar aggregate classification (germline): Benign/Likely benign. Review status: criteria provided, multiple submitters, no conflicts (2 of 4 stars). 12 submissions from 12 submitters: Benign (8); Likely benign (2). 2 of the submissions do not count toward it. Last evaluated 2026-02-04.

Conditions:
Capillary malformation-arteriovenous malformation syndrome. Also called: Capillary malformation-arteriovenous malformation. Identifiers: Orphanet 137667, MedGen C1842180, MONDO:0012016.
Basal cell carcinoma, susceptibility to, 1. Also called: BCC1. Identifiers: MedGen C2751544, MONDO:0011556, OMIM 605462.
Capillary malformation-arteriovenous malformation 1 (CMAVM1). Identifiers: Orphanet 137667, Orphanet 693907, MedGen C4747394, MONDO:0020783, OMIM 608354.
Cardiovascular phenotype. Identifiers: MedGen CN230736.

Allele frequency attached by ClinVar (database versions not stated): 1000 Genomes Project 0.01258; 1000 Genomes Project 30x 0.01359; gnomAD exomes 0.01880; gnomAD 0.01956 and 0.02050; ExAC 0.02000; TOPMed 0.02100; ESP Exome Variant Server 0.02161.
gnomAD v4.1: 43,444 of 1,613,446 alleles (2.7%); highest among the groups gnomAD compares: Non-Finnish European, 3.3%; 745 homozygotes.

Submissions (12):

Labcorp Genetics (formerly Invitae), Labcorp
Classification: Benign for Capillary malformation-arteriovenous malformation syndrome. Last evaluated: 2026-02-04. Review status: criteria provided, single submitter. Criteria: Invitae Variant Classification Sherloc (09022015). Collection method: clinical testing. Allele origin: germline.

ARUP Laboratories, Molecular Genetics and Genomics, ARUP Laboratories
Classification: Benign. Last evaluated: 2025-07-18. Review status: criteria provided, single submitter. Criteria: ARUP Molecular Germline Variant Investigation Process 2024. Collection method: clinical testing. Allele origin: germline.

Blueprint Genetics
Classification: Benign. Last evaluated: 2024-11-26. Review status: criteria provided, single submitter. Criteria: ACMG Guidelines, 2015. Collection method: clinical testing. Allele origin: germline.

Mayo Clinic Laboratories, Mayo Clinic
Classification: Benign. Last evaluated: 2024-11-19. Review status: criteria provided, single submitter. Criteria: ACMG Guidelines, 2015. Collection method: clinical testing. Allele origin: germline. Observed: 82 variant alleles.
Comment: BS1, BS2

CeGaT Center for Human Genetics Tuebingen
Classification: Benign. Last evaluated: 2023-08-01. Review status: criteria provided, single submitter. Criteria: CeGaT Center For Human Genetics Tuebingen Variant Classification Criteria Version 2. Collection method: clinical testing. Allele origin: germline. Affected: yes. Observed: 3 variant alleles.
Comment: RASA1: BS1, BS2

Fulgent Genetics
Classification: Likely benign for Basal cell carcinoma, susceptibility to, 1; Capillary malformation-arteriovenous malformation 1. Last evaluated: 2022-02-07. Review status: criteria provided, single submitter. Criteria: ACMG Guidelines, 2015. Collection method: clinical testing. Allele origin: unknown.

Eurofins Ntd Llc (ga)
Classification: Benign. Last evaluated: 2016-01-12. Review status: criteria provided, single submitter. Criteria: EGL Classification Definitions 2015. Collection method: clinical testing. Allele origin: germline. Observed: 2 variant alleles, 2 heterozygotes.

Ambry Genetics
Classification: Benign for Cardiovascular phenotype. Last evaluated: 2015-09-21. Review status: criteria provided, single submitter. Criteria: Ambry Variant Classification Scheme 2023. Collection method: clinical testing. Allele origin: germline.

GeneDx
Classification: Benign. Last evaluated: 2015-04-17. Review status: criteria provided, single submitter. Criteria: GeneDx Variant Classification (06012015). Collection method: clinical testing. Allele origin: germline. Affected: yes.
Comment: This variant is considered likely benign or benign based on one or more of the following criteria: it is a conservative change, it occurs at a poorly conserved position in the protein, it is predicted to be benign by multiple in silico algorithms, and/or has population frequency not consistent with disease.

Breakthrough Genomics
Classification: Likely benign. Review status: criteria provided, single submitter. Criteria: ACMG Guidelines, 2015. Collection method: not provided. Allele origin: germline. Inheritance: Autosomal dominant inheritance. Affected: yes.

Clinical Genetics, Academic Medical Center
Classification: Benign. Review status: no assertion criteria provided. Collection method: clinical testing. Allele origin: germline. Affected: yes. Study: VKGL Data-share Consensus. Not counted in ClinVar's aggregate classification.

Joint Genome Diagnostic Labs from Nijmegen and Maastricht, Radboudumc and MUMC+
Classification: Benign. Review status: no assertion criteria provided. Collection method: clinical testing. Allele origin: germline. Affected: yes. Study: VKGL Data-share Consensus. Not counted in ClinVar's aggregate classification.

Literature cited by the submitters: PubMed 22200646 (cited by Ambry Genetics); PubMed 23801933 (cited by Ambry Genetics).